The following continues an entry in ClinVar:

NM_006767.4(LZTR1):c.850C>T (p.Arg284Cys)

Gene: LZTR1. ClinVar aggregate classification (germline): Likely pathogenic. Likely pathogenic (1).

Submissions 10 to 15 of 15:

Rady Children's Institute for Genomic Medicine, Rady Children's Hospital San Diego
Classification: Pathogenic for NOONAN SYNDROME 10. Last evaluated: 2019-03-01. Review status: criteria provided, single submitter. Criteria: ACMG Guidelines, 2015. Collection method: clinical testing. Allele origin: germline. Affected: yes. Observed: 1 variant allele. Not counted in ClinVar's aggregate classification.
Comment: This variant has been previously reported as a heterozygous change in six related individuals with autosomal dominant Noonan Syndrome (PMID: 25795793) and as an apparently de novo change in an individual with schwannomatosis (PMID: 25335493). It is absent from the ExAC and gnomAD population databases and thus is presumed to be rare. This variant has been classified as a de novo pathogenic variant for Noonan syndrome in ClinVar (Variation ID: 209089). In-silico analyses support a damaging effect of the c.850C>T (p.Arg284Cys) variant on protein function. Analysis of the parental samples was negative for the variant, indicating this variant likely occurred as a de novo event. Based on the available evidence, the c.850C>T (p.Arg284Cys) variant is classified as pathogenic.

Fulgent Genetics
Classification: Pathogenic for LZTR1-related schwannomatosis; Noonan syndrome 10. Last evaluated: 2018-10-31. Review status: criteria provided, single submitter. Criteria: ACMG Guidelines, 2015. Collection method: clinical testing. Allele origin: unknown. Not counted in ClinVar's aggregate classification.

Juno Genomics, Hangzhou Juno Genomics, Inc
Classification: Likely pathogenic for LZTR1-related schwannomatosis; Noonan syndrome 10; Noonan syndrome 2. Review status: criteria provided, single submitter. Criteria: ACMG Guidelines, 2015. Collection method: clinical testing. Allele origin: germline. Affected: yes. Not counted in ClinVar's aggregate classification.
Comment: Multiple lines of computational evidence support a deleterious effect on the gene or gene product (conservation, evolutionary, splicing impact, etc).;The prevalence of the variant in affected individuals is significantly increased compared to the prevalence in controls.;Co-segregation with disease in multiple affected family members in a gene definitively known to cause the disease.;De novo (both maternity and paternity confirmed) in a patient with the disease and no family history.

Neuberg Centre For Genomic Medicine, NCGM
Classification: Pathogenic for Noonan syndrome 10. Review status: criteria provided, single submitter. Criteria: ACMG Guidelines, 2015. Collection method: clinical testing. Allele origin: germline. Inheritance: Autosomal dominant inheritance. Affected: yes. Not counted in ClinVar's aggregate classification.
Comment: The missense c.850C>Tp.Arg284Cys variant in LZTR1 gene has been reported previously in multiple individuals affected with autosomal dominant LZTR1-related disorders / Noonan syndrome Jacquinet A, et al., 2020; Yamamoto GL, et al., 2015; Paganini I, et al., 2015. This variant has also been observed to segregate with disease in related individuals. Experimental evidence demonstrates that this variant results in the upregulation of RAS-MAPK signaling and affects LZTR1 function Motta M, et al., 2019. The p.Arg284Cys variant is present with allele frequency of 0.0% in gnomAD Exomes. This variant has been reported to the ClinVar database as Pathogenic multiple submissions. Multiple lines of computational evidences Polyphen - Probably damaging, SIFT - Damaging and MutationTaster - Disease causing predict a damaging effect on protein structure and function for this variant. The reference amino acid at this position on LZTR1 gene is predicted as conserved by GERP++ and PhyloP across 100 vertebrates. The amino acid Arg at position 284 is changed to a Cys changing protein sequence and it might alter its composition and physico-chemical properties. For these reasons, this variant has been classified as Pathogenic.

PreventionGenetics, part of Exact Sciences
Classification: Pathogenic for LZTR1-related condition. Last evaluated: 2024-07-09. Review status: no assertion criteria provided. Collection method: clinical testing. Allele origin: germline. Not counted in ClinVar's aggregate classification.
Comment: The LZTR1 c.850C>T variant is predicted to result in the amino acid substitution p.Arg284Cys. This variant has been reported to be de novo and to segregate with disease in multiple individuals with Noonan syndrome (Yamamoto et al. 2015. PubMed ID: 25795793; Motta et al. 2018. PubMed ID: 30481304; Jacquinet et al. 2020. PubMed ID: 30664951). This variant has also been reported as de novo in multiple individuals with autism spectrum disorders (Table S1, Takata et al. 2018. PubMed ID: 29346770; Table S20, Fu et al. 2022. PubMed ID: 35982160; Table S1, Zhou et al. 2022. PubMed ID: 35982159). Additionally, this variant has been reported as de novo in an individual with schwannomatosis (Paganini et al. 2015. PubMed ID: 25335493). Functional studies found this variant results in enhanced EGF-dependent ERK1/2 phosphorylation (Motta et al. 2018. PubMed ID: 30481304). This variant has not been reported in a large population database, indicating this variant is rare; however, the quality of this data is questionable and should be treated with caution. This variant is interpreted as pathogenic.

OMIM
Classification: Pathogenic for NOONAN SYNDROME 10. Last evaluated: 2015-06-01. Review status: no assertion criteria provided. Collection method: literature only. Allele origin: germline. Not counted in ClinVar's aggregate classification.

Literature cited by the submitters: PubMed 25335493 (cited by Labcorp Genetics (formerly Invitae), Labcorp and Medical Genetics Center, Maternal and Child Health Hospital of Hubei Province); PubMed 25795793 (cited by 3 submitters); PubMed 30664951 (cited by 3 submitters); PubMed 30481304 (cited by Labcorp Genetics (formerly Invitae), Labcorp and Medical Genetics Center, Maternal and Child Health Hospital of Hubei Province); PubMed 29346770 (cited by Medical Genetics Center, Maternal and Child Health Hospital of Hubei Province).